The following is an entry in ClinVar:

ClinVar aggregate classification (germline): Conflicting classifications of pathogenicity. Review status: criteria provided, conflicting classifications (1 of 4 stars). 5 submissions from 5 submitters: Likely pathogenic (3); Uncertain significance (2). Last evaluated 2025-08-18.

Conditions:
Very long chain acyl-CoA dehydrogenase deficiency (ACADVLD). Also called: VLCAD Deficiency; Very Long-Chain Acyl-Coenzyme A Dehydrogenase Deficiency. Identifiers: Orphanet 26793, MedGen C3887523, MONDO:0008723, OMIM 201475.

Allele frequency attached by ClinVar (database versions not stated): TOPMed 0.00001.
gnomAD v4.1: 17 of 1,614,086 alleles (0.0011%); highest among the groups gnomAD compares: Non-Finnish European, 0.0014%; no homozygotes.

Submissions (5):

Labcorp Genetics (formerly Invitae), Labcorp
Classification: Likely pathogenic for Very long chain acyl-CoA dehydrogenase deficiency. Last evaluated: 2025-08-18. Review status: criteria provided, single submitter. Criteria: Invitae Variant Classification Sherloc (09022015). Collection method: clinical testing. Allele origin: germline.
Comment: This sequence change replaces threonine, which is neutral and polar, with isoleucine, which is neutral and non-polar, at codon 230 of the ACADVL protein (p.Thr230Ile). This variant is not present in population databases (gnomAD no frequency). This missense change has been observed in individual(s) with very long-chain acyl-CoA dehydrogenase deficiency (PMID: 27209629; internal data). ClinVar contains an entry for this variant (Variation ID: 639949). Invitae Evidence Modeling of protein sequence and biophysical properties (such as structural, functional, and spatial information, amino acid conservation, physicochemical variation, residue mobility, and thermodynamic stability) indicates that this missense variant is expected to disrupt ACADVL protein function with a positive predictive value of 80%. In summary, the currently available evidence indicates that the variant is pathogenic, but additional data are needed to prove that conclusively. Therefore, this variant has been classified as Likely Pathogenic.

Women's Health and Genetics/Laboratory Corporation of America, LabCorp
Classification: Likely pathogenic for Very long chain acyl-CoA dehydrogenase deficiency. Last evaluated: 2025-07-15. Review status: criteria provided, single submitter. Criteria: LabCorp Variant Classification Summary - May 2015. Collection method: clinical testing. Allele origin: germline.
Comment: Variant summary: ACADVL c.689C>T (p.Thr230Ile) results in a non-conservative amino acid change located in the Acyl-CoA oxidase/dehydrogenase, middle domain (IPR006091) of the encoded protein sequence. Algorithms developed to predict the effect of missense changes on protein structure and function all suggest that this variant is likely to be disruptive. The variant was absent in 251458 control chromosomes. c.689C>T has been observed in individuals affected with Very Long Chain Acyl-CoA Dehydrogenase Deficiency (e.g. Miller_2015, Pena_2016, Lund_2021 and Labcorp (formerly Invitae) internal case(s)). These data indicate that the variant is likely to be associated with disease. To our knowledge, no experimental evidence demonstrating an impact on protein function has been reported. The following publications have been ascertained in the context of this evaluation (PMID: 36356723, 33549744, 26385305, 27209629). ClinVar contains an entry for this variant (Variation ID: 639949). Based on the evidence outlined above, the variant was classified as likely pathogenic.

Revvity Omics, Revvity
Classification: Uncertain significance for Very long chain acyl-CoA dehydrogenase deficiency. Last evaluated: 2025-06-02. Review status: criteria provided, single submitter. Criteria: ACMG Guidelines, 2015. Collection method: clinical testing. Allele origin: germline.

Baylor Genetics
Classification: Likely pathogenic for Very long chain acyl-CoA dehydrogenase deficiency. Last evaluated: 2024-03-19. Review status: criteria provided, single submitter. Criteria: ACMG Guidelines, 2015. Collection method: clinical testing. Allele origin: unknown.

Wong Mito Lab, Molecular and Human Genetics, Baylor College of Medicine
Classification: Uncertain significance for Very long chain acyl-CoA dehydrogenase deficiency. Last evaluated: 2019-11-01. Review status: criteria provided, single submitter. Criteria: ACMG Guidelines, 2015. Collection method: clinical testing. Allele origin: germline.
Comment: The NM_000018.3:c.689C>T (NP_000009.1:p.Thr230Ile) [GRCH38: NC_000017.11:g.7222018C>T] variant in ACADVL gene is interpretated to be Uncertain Significance based on ACMG guidelines (PMID: 25741868). This variant has been reported. This variant meets the following evidence codes reported in the ACMG guidelines: PP3

Literature cited by the submitters: PubMed 27209629 (cited by Labcorp Genetics (formerly Invitae), Labcorp and Women's Health and Genetics/Laboratory Corporation of America, LabCorp); PubMed 26385305 (cited by Women's Health and Genetics/Laboratory Corporation of America, LabCorp); PubMed 36356723 (cited by Women's Health and Genetics/Laboratory Corporation of America, LabCorp); PubMed 33549744 (cited by Women's Health and Genetics/Laboratory Corporation of America, LabCorp).

NM_000018.4(ACADVL):c.689C>T (p.Thr230Ile)

Gene: ACADVL (acyl-CoA dehydrogenase very long chain; plus strand). Cytogenetic location: 17p13.1.
Variant type: single nucleotide variant.
Coding change: c.689C>T on transcript NM_000018.4 (MANE Select); coding-DNA position 689, C replaced by T.
Protein change: p.Thr230Ile; replaces threonine 230 with isoleucine.
Molecular consequence: missense variant.
Genome position (GRCh38, 1-based): chr17:7,222,018, C>T. VCF-style: chr17-7222018-C-T. GRCh37 (hg19) VCF-style: chr17-7125337-C-T.
Other names: c.623C>T, p.Thr208Ile (NM_001033859.3); c.758C>T, p.Thr253Ile (NM_001270447.2); c.461C>T, p.Thr154Ile (NM_001270448.2); short protein forms T230I, T253I, T154I, T208I.
Identifiers: ClinVar variation 639949 (VCV000639949.14), dbSNP rs1241935771, ClinGen allele CA397723471.